The following is an entry in ClinVar:

NM_004369.4(COL6A3):c.3828C>T (p.Phe1276=)

Gene: COL6A3 (collagen type VI alpha 3 chain; minus strand). Cytogenetic location: 2q37.3.
Variant type: single nucleotide variant.
Coding change: c.3828C>T on transcript NM_004369.4 (MANE Select); coding-DNA position 3828, C replaced by T.
Protein change: p.Phe1276=; no amino-acid change (phenylalanine 1276 retained).
Molecular consequence: synonymous variant.
Genome position (GRCh38, 1-based): chr2:237,372,189, G>A on the plus strand (C>T on the coding strand, the complement: COL6A3 is on the minus strand). VCF-style: chr2-237372189-G-A. GRCh37 (hg19) VCF-style: chr2-238280832-G-A.
Other names: c.2607C>T, p.Phe869= (NM_057164.5); c.3210C>T, p.Phe1070= (NM_057165.5, NM_057167.4); c.2007C>T, p.Phe669= (NM_057166.5).
Identifiers: ClinVar variation 3659458 (VCV003659458.3).

ClinVar aggregate classification (germline): Likely benign. Review status: criteria provided, multiple submitters, no conflicts (2 of 4 stars). 2 submissions from 2 submitters: Likely benign (2). Last evaluated 2026-07-01.

Conditions:
Bethlem myopathy 1A. Also called: Bethlem myopathy 1; MYOPATHY, BENIGN CONGENITAL, WITH CONTRACTURES; Bethlem Muscular Dystrophy. Identifiers: Orphanet 610, MedGen CN029274, MONDO:0024530, OMIM 158810.

gnomAD v4.1: 4 of 1,614,130 alleles (0.00025%); highest among the groups gnomAD compares: Non-Finnish European, 0.00034%; 1 homozygote.

Submissions (2):

CeGaT Center for Human Genetics Tuebingen
Classification: Likely benign. Last evaluated: 2026-07-01. Review status: criteria provided, single submitter. Criteria: CeGaT Center For Human Genetics Tuebingen Variant Classification Criteria Version 2. Collection method: clinical testing. Allele origin: germline. Affected: yes. Observed: 1 variant allele.
Comment: COL6A3: BP4

Labcorp Genetics (formerly Invitae), Labcorp
Classification: Likely benign for Bethlem myopathy 1A. Last evaluated: 2024-08-28. Review status: criteria provided, single submitter. Criteria: Invitae Variant Classification Sherloc (09022015). Collection method: clinical testing. Allele origin: germline.